The following is an entry in ClinVar:

ClinVar aggregate classification (germline): Uncertain significance. Review status: criteria provided, multiple submitters, no conflicts (2 of 4 stars). 2 submissions from 2 submitters: Uncertain significance (2). Last evaluated 2022-05-04.

Allele frequency attached by ClinVar (database versions not stated): gnomAD exomes below 0.00001; TOPMed 0.00002; gnomAD 0.00003.
gnomAD v4.1: 11 of 1,614,090 alleles (0.00068%); highest among the groups gnomAD compares: Non-Finnish European, 0.00085%; no homozygotes.

Submissions (2):

Labcorp Genetics (formerly Invitae), Labcorp
Classification: Uncertain significance. Last evaluated: 2022-05-04. Review status: criteria provided, single submitter. Criteria: Invitae Variant Classification Sherloc (09022015). Collection method: clinical testing. Allele origin: germline.
Comment: This sequence change creates a premature translational stop signal (p.Tyr1235*) in the DISP1 gene. While this is not anticipated to result in nonsense mediated decay, it is expected to disrupt the last 290 amino acid(s) of the DISP1 protein. This variant is present in population databases (no rsID available, gnomAD 0.0009%). This variant has not been reported in the literature in individuals affected with DISP1-related conditions. ClinVar contains an entry for this variant (Variation ID: 489256). Experimental studies and prediction algorithms are not available or were not evaluated, and the functional significance of this variant is currently unknown. In summary, the available evidence is currently insufficient to determine the role of this variant in disease. Therefore, it has been classified as a Variant of Uncertain Significance.

GeneDx
Classification: Uncertain significance. Last evaluated: 2017-12-15. Review status: criteria provided, single submitter. Criteria: GeneDx Variant Classification (06012015). Collection method: clinical testing. Allele origin: germline. Affected: yes.
Comment: The Y1235X variant in the DISP1 gene has not been reported previously as a pathogenic variant nor as a benign variant, to our knowledge. This variant is predicted to cause loss of normal protein function through protein truncation with loss of the last 290 residues. The Y1235X variant is observed in 1/111440 (0.0009%) alleles from individuals of non-Finnish European background and 1/245970 (0.0004%) total alleles in large population cohorts (Lek et al., 2016). We interpret Y1235X as a variant of uncertain significance

NM_001377229.1(DISP1):c.3705C>A (p.Tyr1235Ter)

Gene: DISP1 (dispatched RND transporter family member 1; plus strand). Cytogenetic location: 1q41.
Variant type: single nucleotide variant.
Coding change: c.3705C>A on transcript NM_001377229.1 (MANE Select); coding-DNA position 3705, C replaced by A.
Protein change: p.Tyr1235Ter; replaces tyrosine 1235 with a stop codon.
Molecular consequence: nonsense.
Genome position (GRCh38, 1-based): chr1:223,005,102, C>A. VCF-style: chr1-223005102-C-A. GRCh37 (hg19) VCF-style: chr1-223178444-C-A.
Other names: c.2976C>A, p.Tyr992Ter (NM_001350630.2); c.3705C>A, p.Tyr1235Ter (NM_001369594.1, NM_001377228.1, NM_032890.5); short protein forms Y1235*, Y992*.
Identifiers: ClinVar variation 489256 (VCV000489256.4), dbSNP rs1467939710, ClinGen allele CA344690280.